The following is an entry in ClinVar:

NM_005654.6(NR2F1):c.208_211del (p.Lys70fs)

Genes: NR2F1 (nuclear receptor subfamily 2 group F member 1; plus strand), NR2F1-AS1 (NR2F1 regulatory antisense RNA 1; minus strand). Cytogenetic location: 5q15.
Variant type: Deletion.
Coding change: c.208_211del on transcript NM_005654.6 (MANE Select); coding-DNA positions 208 to 211, 4 bases deleted (AAGG; older notation c.208_211delAAGG).
Protein change: p.Lys70fs; shifts the reading frame from lysine 70.
Molecular consequence: frameshift variant.
Genome position (GRCh38, 1-based): chr5:93,585,231-93,585,234, AAGG deleted. VCF-style (leftmost placement, unchanged base first): chr5-93585230-CAAGG-C. GRCh37 (hg19) VCF-style: chr5-92920936-CAAGG-C.
Other names: short protein forms K70fs.
Identifiers: ClinVar variation 1320203 (VCV001320203.1), dbSNP rs2149941524, ClinGen allele CA2573052548.

ClinVar aggregate classification (germline): Likely pathogenic (1 of 4 stars; one submission).

Conditions:
Bosch-Boonstra-Schaaf optic atrophy syndrome (BBSOAS). Also called: NR2F1-Related Neurodevelopmental Disorder. Identifiers: Orphanet 401777, MedGen C3810363, MONDO:0014320, OMIM 615722.

Submission:

3billion
Classification: Likely pathogenic for Bosch-Boonstra-Schaaf optic atrophy syndrome. Last evaluated: 2021-10-02. Review status: criteria provided, single submitter. Criteria: ACMG Guidelines, 2015. Collection method: clinical testing. Allele origin: unknown. Affected: yes. Observed: 1 heterozygote.
Comment: Frameshift: predicted to result in a loss or disruption of normal protein function through nonsense-mediated decay (NMD) or protein truncation. Multiple pathogenic variants are reported downstream of the variant (PVS1_VS). It is not observed in the gnomAD v2.1.1 dataset (PM2). Therefore, this variant is classified as likely pathogenic according to the recommendation of ACMG/AMP guideline.